The following is an entry in ClinVar:

ClinVar aggregate classification (germline): Benign/Likely benign. Review status: criteria provided, multiple submitters, no conflicts (2 of 4 stars). 7 submissions from 7 submitters: Benign (4); Likely benign (2). 1 of the submissions does not count toward it. Last evaluated 2026-02-03.

Conditions:
SLC16A2-related disorder. Also called: SLC16A2-related condition.
Inborn genetic diseases. Identifiers: MedGen C0950123, MeSH D030342.
Spastic paraplegia. Identifiers: MedGen C0037772, HP:0001258.
Hereditary spastic paraplegia. Also called: Familial spastic paraparesis. Identifiers: Orphanet 685, MedGen C0037773, MONDO:0019064. Disease mechanism: loss of function.

Allele frequency attached by ClinVar (database versions not stated): gnomAD exomes 0.00096 and 0.00255; ExAC 0.00357; 1000 Genomes Project 30x 0.00916; gnomAD 0.00970 and 0.01028; ESP Exome Variant Server 0.01014; 1000 Genomes Project 0.01033; TOPMed 0.01119.
gnomAD v4.1: 2,104 of 1,144,911 alleles (0.18%); highest among the groups gnomAD compares: African/African-American, 3.5%; 21 homozygotes.

Submissions (7):

Labcorp Genetics (formerly Invitae), Labcorp
Classification: Benign for Spastic paraplegia. Last evaluated: 2026-02-03. Review status: criteria provided, single submitter. Criteria: Invitae Variant Classification Sherloc (09022015). Collection method: clinical testing. Allele origin: germline.

Mayo Clinic Laboratories, Mayo Clinic
Classification: Benign. Last evaluated: 2025-09-30. Review status: criteria provided, single submitter. Criteria: ACMG Guidelines, 2015. Collection method: clinical testing. Allele origin: germline. Observed: 4 variant alleles.

Genome Diagnostics Laboratory, The Hospital for Sick Children
Classification: Likely benign for Hereditary spastic paraplegia. Last evaluated: 2018-11-01. Review status: criteria provided, single submitter. Criteria: ACMG Guidelines, 2015. Collection method: clinical testing. Allele origin: germline. Affected: yes.

Ambry Genetics
Classification: Benign for Inborn genetic diseases. Last evaluated: 2016-08-18. Review status: criteria provided, single submitter. Criteria: Ambry Variant Classification Scheme 2023. Collection method: clinical testing. Allele origin: germline.

Eurofins Ntd Llc (ga)
Classification: Benign. Last evaluated: 2015-05-26. Review status: criteria provided, single submitter. Criteria: EGL Classification Definitions 2015. Collection method: clinical testing. Allele origin: germline. Observed: 1 variant allele, 1 hemizygote.

Breakthrough Genomics
Classification: Likely benign. Review status: criteria provided, single submitter. Criteria: ACMG Guidelines, 2015. Collection method: not provided. Allele origin: germline. Inheritance: X-linked inheritance. Affected: yes.

PreventionGenetics, part of Exact Sciences
Classification: Benign for SLC16A2-related condition. Last evaluated: 2019-09-09. Review status: no assertion criteria provided. Collection method: clinical testing. Allele origin: germline. Not counted in ClinVar's aggregate classification.
Comment: This variant is classified as benign based on ACMG/AMP sequence variant interpretation guidelines (Richards et al. 2015 PMID: 25741868, with internal and published modifications).

NM_006517.5(SLC16A2):c.123C>T (p.Pro41=)

Gene: SLC16A2 (solute carrier family 16 member 2; plus strand). Cytogenetic location: Xq13.2.
Variant type: single nucleotide variant.
Coding change: c.123C>T on transcript NM_006517.5 (MANE Select); coding-DNA position 123, C replaced by T.
Protein change: p.Pro41=; no amino-acid change (proline 41 retained).
Molecular consequence: synonymous variant.
Genome position (GRCh38, 1-based): chrX:74,421,760, C>T. VCF-style: chrX-74421760-C-T. GRCh37 (hg19) VCF-style: chrX-73641595-C-T.
Other names: p.Pro41=.
Identifiers: ClinVar variation 193348 (VCV000193348.27), dbSNP rs369603991, ClinGen allele CA200510.